The following is an entry in ClinVar:

NM_001291415.2(KDM6A):c.608_615del (p.Leu202_Ser203insTer)

Gene: KDM6A (lysine demethylase 6A; plus strand). Cytogenetic location: Xp11.3.
Variant type: Deletion.
Coding change: c.608_615del on transcript NM_001291415.2 (MANE Select); coding-DNA positions 608 to 615, 8 bases deleted (CCAATGCT; older notation c.608_615delCCAATGCT).
Protein change: p.Leu202_Ser203insTer.
Molecular consequence: nonsense. On other transcripts: 5 prime UTR variant (1), non-coding transcript variant (1).
Genome position (GRCh38, 1-based): chrX:45,034,974-45,034,981, CCAATGCT deleted; deleting any 8 consecutive bases within chrX:45,034,973-45,034,981 gives the same sequence; the c. name uses the placement nearest the transcript's 3' end. VCF-style (leftmost placement, unchanged base first): chrX-45034972-GTCCAATGC-G. GRCh37 (hg19) VCF-style: chrX-44894217-GTCCAATGC-G.
Other names: c.608_615del, p.Leu202_Ser203insTer (NM_001291416.2, NM_001291417.2, NM_001291418.2 and 9 more transcripts); c.-146_-139del (NM_001291421.2).
Identifiers: ClinVar variation 4722265 (VCV004722265.2).
Genomic context (GRCh38, chrX:45,034,972, plus strand): 5'-TCTCACTCTCGTCTTGCAGCATTTTCAGTTAGCTTTGGTTGACTGTAATCCCTGCACTTT[GTCCAATGC>G]TGAAAGTAAGTATTATTAAGTACTGTAGTTTTCTACATGTATTCCGATCACTTCATGGCA-3'

ClinVar aggregate classification (germline): Pathogenic. Review status: criteria provided, multiple submitters, no conflicts (2 of 4 stars). 2 submissions from 2 submitters: Pathogenic (2). Last evaluated 2025-09-04.

Conditions:
Kabuki syndrome 2 (KABUK2). Also called: KDM6A-Related Kabuki Syndrome. Identifiers: Orphanet 2322, MedGen C3275495, MONDO:0010465, OMIM 300867.

Submissions (2):

Variantyx, Inc.
Classification: Pathogenic for Kabuki syndrome 2. Last evaluated: 2025-09-04. Review status: criteria provided, single submitter. Criteria: Variantyx Assertion Criteria 2022. Collection method: clinical testing. Allele origin: maternal. Inheritance: X-linked dominant inheritance. Affected: yes.
Comment: This is a frameshift variant in the KDM6A gene (OMIM: 300128). Pathogenic variants in this gene have been associated with X-linked Kabuki syndrome 2. This variant introduces a premature termination codon in exon 7 out of 30 and is expected to result in loss of function, which is a known disease mechanism for KDM6A in this disorder (PMID: 27302555) (PVS1). This variant is absent from control populations (PM2). Based on the current evidence, this variant is classified as pathogenic for X-linked Kabuki syndrome 2.

Labcorp Genetics (formerly Invitae), Labcorp
Classification: Pathogenic for Kabuki syndrome 2. Last evaluated: 2025-07-07. Review status: criteria provided, single submitter. Criteria: Invitae Variant Classification Sherloc (09022015). Collection method: clinical testing. Allele origin: germline.
Comment: This sequence change creates a premature translational stop signal (p.Ser203*) in the KDM6A gene. It is expected to result in an absent or disrupted protein product. Loss-of-function variants in KDM6A are known to be pathogenic (PMID: 23076834, 23913813). This variant is not present in population databases (gnomAD no frequency). This variant has not been reported in the literature in individuals affected with KDM6A-related conditions. Algorithms developed to predict the effect of sequence changes on RNA splicing suggest that this variant may disrupt the consensus splice site. For these reasons, this variant has been classified as Pathogenic.

Literature cited by the submitters: PubMed 27302555 (cited by Variantyx, Inc.); PubMed 23076834 (cited by Labcorp Genetics (formerly Invitae), Labcorp); PubMed 23913813 (cited by Labcorp Genetics (formerly Invitae), Labcorp).